The following is an entry in ClinVar:

NM_004168.4(SDHA):c.322A>G (p.Asn108Asp)

Gene: SDHA (succinate dehydrogenase complex flavoprotein subunit A; plus strand). Cytogenetic location: 5p15.33.
Variant type: single nucleotide variant.
Coding change: c.322A>G on transcript NM_004168.4 (MANE Select); coding-DNA position 322, A replaced by G.
Protein change: p.Asn108Asp; replaces asparagine 108 with aspartic acid.
Molecular consequence: missense variant. On other transcripts: intron variant (1).
Genome position (GRCh38, 1-based): chr5:225,428, A>G. VCF-style: chr5-225428-A-G. GRCh37 (hg19) VCF-style: chr5-225543-A-G.
Other names: c.322A>G, p.Asn108Asp (NM_001330758.2); c.313-455A>G (NM_001294332.2); short protein forms N108D.
Identifiers: ClinVar variation 2567096 (VCV002567096.5), dbSNP rs1401224564, ClinGen allele CA359009198.
Genomic context (GRCh38, chr5:225,428, plus strand): 5'-CAAAGTTGGCGCTCCTGTTTGTGGCTTGTAAGGAGTGGTTGGTGTTTCCAGGGAGGAATC[A>G]ATGCTGCTCTGGGGAACATGGAGGAGGACAACTGGAGGTGGCATTTCTACGACACCGTGA-3'
Protein context (NP_004159.2, residues 98-118): SHTVAAQGGI[Asn108Asp]AALGNMEEDN

ClinVar aggregate classification (germline): Uncertain significance. Review status: criteria provided, multiple submitters, no conflicts (2 of 4 stars). 2 submissions from 2 submitters: Uncertain significance (2). Last evaluated 2023-07-19.

Conditions:
Mitochondrial complex II deficiency, nuclear type 1. Also called: SUCCINATE CoQ REDUCTASE DEFICIENCY. Identifiers: Orphanet 3208, MedGen C5700310, MONDO:0100294, OMIM 252011.
Pheochromocytoma/paraganglioma syndrome 5. Also called: Paragangliomas 5; SDHA-Related Hereditary Paraganglioma-Pheochromocytoma Syndrome. Identifiers: Orphanet 29072, MedGen C3279992, MONDO:0013602, OMIM 614165.
Hereditary cancer-predisposing syndrome. Also called: Neoplastic Syndromes, Hereditary; Tumor predisposition; Hereditary Cancer Syndrome; Hereditary neoplastic syndrome. Identifiers: Orphanet 140162, MedGen C0027672, MeSH D009386, MONDO:0015356.

Allele frequency attached by ClinVar (database versions not stated): TOPMed below 0.00001; gnomAD 0.00001.
gnomAD v4.1: 1 of 1,612,428 alleles (0.000062%); highest among the groups gnomAD compares: Non-Finnish European, 0.000085%; no homozygotes.

Submissions (2):

Labcorp Genetics (formerly Invitae), Labcorp
Classification: Uncertain significance for Pheochromocytoma/paraganglioma syndrome 5; Mitochondrial complex II deficiency, nuclear type 1. Last evaluated: 2023-07-19. Review status: criteria provided, single submitter. Criteria: Invitae Variant Classification Sherloc (09022015). Collection method: clinical testing. Allele origin: germline.
Comment: Advanced modeling of protein sequence and biophysical properties (such as structural, functional, and spatial information, amino acid conservation, physicochemical variation, residue mobility, and thermodynamic stability) has been performed at Invitae for this missense variant, however the output from this modeling did not meet the statistical confidence thresholds required to predict the impact of this variant on SDHA protein function. This sequence change replaces asparagine, which is neutral and polar, with aspartic acid, which is acidic and polar, at codon 108 of the SDHA protein (p.Asn108Asp). This variant is not present in population databases (gnomAD no frequency). This variant has not been reported in the literature in individuals affected with SDHA-related conditions. ClinVar contains an entry for this variant (Variation ID: 2567096). In summary, the available evidence is currently insufficient to determine the role of this variant in disease. Therefore, it has been classified as a Variant of Uncertain Significance.

Ambry Genetics
Classification: Uncertain significance for Hereditary cancer-predisposing syndrome. Last evaluated: 2023-05-17. Review status: criteria provided, single submitter. Criteria: Ambry Variant Classification Scheme 2023. Collection method: clinical testing. Allele origin: germline.
Comment: The p.N108D variant (also known as c.322A>G), located in coding exon 4 of the SDHA gene, results from an A to G substitution at nucleotide position 322. The asparagine at codon 108 is replaced by aspartic acid, an amino acid with highly similar properties. This amino acid position is highly conserved in available vertebrate species. In addition, the in silico prediction for this alteration is inconclusive. Since supporting evidence is limited at this time, the clinical significance of this alteration remains unclear.